The following is an entry in ClinVar:

ClinVar aggregate classification (germline): Pathogenic. Review status: criteria provided, multiple submitters, no conflicts (2 of 4 stars). 2 submissions from 2 submitters: Pathogenic (2). Last evaluated 2023-06-14.

Conditions:
Hereditary diffuse gastric adenocarcinoma (HDGC). Also called: DIFFUSE GASTRIC AND LOBULAR BREAST CANCER SYNDROME. Identifiers: Orphanet 26106, MedGen C1708349, MONDO:0007648, OMIM 137215.

Submissions (2):

Myriad Genetics, Inc.
Classification: Pathogenic for Hereditary diffuse gastric adenocarcinoma. Last evaluated: 2023-06-14. Review status: criteria provided, single submitter. Criteria: Myriad Autosomal Dominant, Autosomal Recessive and X-Linked Classification Criteria (2023). Collection method: clinical testing. Allele origin: unknown.
Comment: This variant is considered pathogenic. This variant creates a termination codon and is predicted to result in premature protein truncation.

CeGaT Center for Human Genetics Tuebingen
Classification: Pathogenic. Last evaluated: 2017-11-01. Review status: criteria provided, single submitter. Criteria: CeGaT Center For Human Genetics Tuebingen Variant Classification Criteria Version 2. Collection method: clinical testing. Allele origin: germline. Affected: yes. Observed: 1 variant allele.

NM_004360.5(CDH1):c.1939C>T (p.Gln647Ter)

Gene: CDH1 (cadherin 1; plus strand). Cytogenetic location: 16q22.1.
Variant type: single nucleotide variant.
Coding change: c.1939C>T on transcript NM_004360.5 (MANE Select); coding-DNA position 1939, C replaced by T.
Protein change: p.Gln647Ter; replaces glutamine 647 with a stop codon.
Molecular consequence: nonsense. On other transcripts: 5 prime UTR variant (1).
Genome position (GRCh38, 1-based): chr16:68,823,401, C>T. VCF-style: chr16-68823401-C-T. GRCh37 (hg19) VCF-style: chr16-68857304-C-T.
Other names: c.1756C>T, p.Gln586Ter (NM_001317184.2); c.391C>T, p.Gln131Ter (NM_001317185.2); c.-27C>T (NM_001317186.2); short protein forms Q131*, Q647*, Q586*.
Identifiers: ClinVar variation 870813 (VCV000870813.43), dbSNP rs778195664, ClinGen allele CA396467501.
Genomic context (GRCh38, chr16:68,823,401, plus strand): 5'-AATGAGCTTTTTATTTTCCTCCCCTGGTCTCATCATTTCTTTTTATTGCTTTCTCCAGCC[C>T]AAGAATCTATCATTTTGAAGCCAAAGATGGCCTTAGAGGTGGGTGACTACAAAATCAATC-3'